The following is an entry in ClinVar:

ClinVar aggregate classification (germline): Uncertain significance (1 of 4 stars; one submission).

Conditions:
Epileptic encephalopathy. Identifiers: MedGen C0543888, HP:0200134.

gnomAD v4.1: 2 of 1,610,312 alleles (0.00012%); highest among the groups gnomAD compares: Admixed American, 0.0034%; no homozygotes.

Submission:

Labcorp Genetics (formerly Invitae), Labcorp
Classification: Uncertain significance for Epileptic encephalopathy. Last evaluated: 2024-05-06. Review status: criteria provided, single submitter. Criteria: Invitae Variant Classification Sherloc (09022015). Collection method: clinical testing. Allele origin: germline.
Comment: This sequence change replaces aspartic acid, which is acidic and polar, with asparagine, which is neutral and polar, at codon 2208 of the FASN protein (p.Asp2208Asn). This variant is present in population databases (rs779316030, gnomAD 0.006%). This variant has not been reported in the literature in individuals affected with FASN-related conditions. Algorithms developed to predict the effect of missense changes on protein structure and function output the following: SIFT: "Not Available"; PolyPhen-2: "Benign"; Align-GVGD: "Not Available". The asparagine amino acid residue is found in multiple mammalian species, which suggests that this missense change does not adversely affect protein function. In summary, the available evidence is currently insufficient to determine the role of this variant in disease. Therefore, it has been classified as a Variant of Uncertain Significance.

NM_004104.5(FASN):c.6622G>A (p.Asp2208Asn)

Gene: FASN (fatty acid synthase; minus strand). Cytogenetic location: 17q25.3.
Variant type: single nucleotide variant.
Coding change: c.6622G>A on transcript NM_004104.5 (MANE Select); coding-DNA position 6622, G replaced by A.
Protein change: p.Asp2208Asn; replaces aspartic acid 2208 with asparagine.
Molecular consequence: missense variant.
Genome position (GRCh38, 1-based): chr17:82,080,896, C>T on the plus strand (G>A on the coding strand, the complement: FASN is on the minus strand). VCF-style: chr17-82080896-C-T. GRCh37 (hg19) VCF-style: chr17-80038772-C-T.
Other names: short protein forms D2208N.
Identifiers: ClinVar variation 3690640 (VCV003690640.2).